The following is an entry in ClinVar:

NM_183075.3(CYP2U1):c.1376C>T (p.Pro459Leu)

Gene: CYP2U1 (cytochrome P450 family 2 subfamily U member 1; plus strand). Cytogenetic location: 4q25.
Variant type: single nucleotide variant.
Coding change: c.1376C>T on transcript NM_183075.3 (MANE Select); coding-DNA position 1376, C replaced by T.
Protein change: p.Pro459Leu; replaces proline 459 with leucine.
Molecular consequence: missense variant.
Genome position (GRCh38, 1-based): chr4:107,949,437, C>T. VCF-style: chr4-107949437-C-T. GRCh37 (hg19) VCF-style: chr4-108870593-C-T.
Other names: p.P459L; short protein forms P459L.
Identifiers: ClinVar variation 571544 (VCV000571544.31), dbSNP rs747965749, ClinGen allele CA3037191.

ClinVar aggregate classification (germline): Conflicting classifications of pathogenicity. Review status: criteria provided, conflicting classifications (1 of 4 stars). 10 submissions from 10 submitters: Pathogenic (5); Likely pathogenic (1); Uncertain significance (4). Last evaluated 2026-08-07.

Conditions:
Hereditary spastic paraplegia 56. Also called: Spastic Paraplegia 56; SPASTIC PARAPLEGIA 56, AUTOSOMAL RECESSIVE, WITH OR WITHOUT PSEUDOXANTHOMA ELASTICUM; Spastic paraplegia 56, autosomal recessive. Identifiers: Orphanet 320411, MedGen C3539507, MONDO:0014015, OMIM 615030.
Hereditary spastic paraplegia. Also called: Familial spastic paraparesis. Identifiers: Orphanet 685, MedGen C0037773, MONDO:0019064. Disease mechanism: loss of function.
CYP2U1-related disorder. Also called: CYP2U1-related condition.
Spastic paraplegia. Identifiers: MedGen C0037772, HP:0001258.

Allele frequency attached by ClinVar (database versions not stated): ExAC 0.00001; gnomAD exomes 0.00003; TOPMed 0.00003; gnomAD 0.00005.
gnomAD v4.1: 106 of 1,611,180 alleles (0.0066%); highest among the groups gnomAD compares: Non-Finnish European, 0.0087%; no homozygotes.

Submissions (10):

PreventionGenetics, part of Exact Sciences
Classification: Likely pathogenic for CYP2U1-related condition. Last evaluated: 2026-08-07. Review status: criteria provided, single submitter. Criteria: ACMG Guidelines, 2015. Collection method: clinical testing. Allele origin: germline.
Comment: The CYP2U1 c.1376C>T variant is predicted to result in the amino acid substitution p.Pro459Leu. This variant was reported in two individuals with spastic paraplegia, one of which was compound heterozygous for a second causative variant and the other without information on a second potentially causative variant (Leeson et al. 2022. PubMed ID: 36166872; Table S2, Méreaux et al. 2022. PubMed ID: 34983064). This variant is reported in 0.0062% of alleles in individuals of European (Non-Finnish) descent in gnomAD. This variant is interpreted as likely pathogenic.

Center for Precision Medicine, University Hospital Brno
Classification: Pathogenic for Hereditary spastic paraplegia 56. Last evaluated: 2025-07-28. Review status: criteria provided, single submitter. Criteria: ACMG Guidelines, 2015. Collection method: research, in vitro. Allele origin: germline, not applicable. Affected: yes. Functional consequence: decreased enzyme activity.
Comment: The missense variant NM_183075.3:c.1376C>T leads to protein destabilization and thus complete loss of enzymatic activity of CYP2U1 (functional study; PS3). The deleterious effect was predicted also by in silico methods (PolyPhen2, SIFT; PP3). Also, the criteria PM2 (extremely low frequency of allele; MAF <0.01%; gnomAD) and PP2 (missense variants are a common mechanism of disease; PMID: 29034544, 40375209, 23176821, 27292318) were met. Thus, according to ACMG Standards and Guidelines (2015), this variant meets ACMG criteria to be classified as pathogenic: PS3, PM2, PM3, PP2, PP3.

Labcorp Genetics (formerly Invitae), Labcorp
Classification: Pathogenic for Spastic paraplegia. Last evaluated: 2024-12-03. Review status: criteria provided, single submitter. Criteria: Invitae Variant Classification Sherloc (09022015). Collection method: clinical testing. Allele origin: germline.
Comment: This sequence change replaces proline, which is neutral and non-polar, with leucine, which is neutral and non-polar, at codon 459 of the CYP2U1 protein (p.Pro459Leu). This variant is present in population databases (rs747965749, gnomAD 0.006%). This missense change has been observed in individual(s) with clinical features of CYP2U1-related conditions (PMID: 36166872; internal data). In at least one individual the data is consistent with being in trans (on the opposite chromosome) from a pathogenic variant. ClinVar contains an entry for this variant (Variation ID: 571544). Invitae Evidence Modeling of protein sequence and biophysical properties (such as structural, functional, and spatial information, amino acid conservation, physicochemical variation, residue mobility, and thermodynamic stability) indicates that this missense variant is expected to disrupt CYP2U1 protein function with a positive predictive value of 95%. For these reasons, this variant has been classified as Pathogenic.

Blueprint Genetics
Classification: Uncertain significance. Last evaluated: 2024-11-21. Review status: criteria provided, single submitter. Criteria: ACMG Guidelines, 2015. Collection method: clinical testing. Allele origin: germline.

GeneDx
Classification: Pathogenic. Last evaluated: 2024-11-05. Review status: criteria provided, single submitter. Criteria: GeneDx Variant Classification Process June 2021. Collection method: clinical testing. Allele origin: germline. Affected: yes.
Comment: Reported with a second variant (phase unknown) in a patient with hereditary spastic paraplegia in published literature (PMID: 36166872); Not observed at significant frequency in large population cohorts (gnomAD); In silico analysis supports that this missense variant has a deleterious effect on protein structure/function; This variant is associated with the following publications: (PMID: 34983064, 36166872)

Undiagnosed Diseases Network, NIH
Classification: Pathogenic for CYP2U1-related condition. Last evaluated: 2024-07-15. Review status: criteria provided, single submitter. Criteria: ACMG Guidelines, 2015. Collection method: clinical testing. Allele origin: paternal. Affected: yes. Observed: 1 compound heterozygote. Study: Undiagnosed Diseases Network (NIH), UDN.

Greenwood Genetic Center Diagnostic Laboratories, Greenwood Genetic Center
Classification: Uncertain significance. Last evaluated: 2022-05-12. Review status: criteria provided, single submitter. Criteria: ACMG Guidelines, 2015. Collection method: clinical testing. Allele origin: germline. Affected: yes.
Comment: PM2, PP3

Victorian Clinical Genetics Services, Murdoch Childrens Research Institute
Classification: Uncertain significance for Hereditary spastic paraplegia 56. Last evaluated: 2020-10-19. Review status: criteria provided, single submitter. Criteria: ACMG Guidelines, 2015. Collection method: clinical testing. Allele origin: germline. Inheritance: Autosomal recessive inheritance. Affected: yes.
Comment: Based on the classification scheme VCGS_Germline_v1.3.3, this variant is classified as 3A-VUS. Following criteria are met: 0102 - Loss of function is a known mechanism of disease in this gene and is associated with spastic paraplegia 56 (MIM#615030). (I) 0106 - This gene is associated with autosomal recessive disease. (I) 0200 - Variant is predicted to result in a missense amino acid change from proline to leucine. (I) 0251 - This variant is heterozygous. (I) 0304 - Variant is present in gnomAD (v2) <0.01 for a recessive condition (9 heterozygotes, 0 homozygotes). (SP) 0501 - Missense variant consistently predicted to be damaging by multiple in silico tools or highly conserved with a major amino acid change. (SP) 0705 - No comparable missense variants have previous evidence for pathogenicity. (I) 0809 - Previous evidence of pathogenicity for this variant is inconclusive. This variant has been classified as a variant of uncertain significance (ClinVar). (I) 0905 - No published segregation evidence has been identified for this variant. (I) 1007 - No published functional evidence has been identified for this variant. (I) 1201 - Heterozygous variant detected in trans with a second likely pathogenic heterozygous variant (NM_183075.3(CYP2U1): c.1462C>T; p.(Arg488Trp)) in a recessive disease. (I) Legend: (SP) - Supporting pathogenic, (I) - Information, (SB) - Supporting benign

Genome Diagnostics Laboratory, The Hospital for Sick Children
Classification: Uncertain significance for Hereditary spastic paraplegia. Last evaluated: 2020-01-14. Review status: criteria provided, single submitter. Criteria: ACMG Guidelines, 2015. Collection method: clinical testing. Allele origin: germline. Affected: yes.

Paris Brain Institute, Inserm - ICM
Classification: Pathogenic for Hereditary spastic paraplegia 56. Review status: criteria provided, single submitter. Criteria: ACMG Guidelines, 2015. Collection method: clinical testing. Allele origin: unknown. Affected: yes. Observed: 1 variant allele.

Literature cited by the submitters: PubMed 36166872 (cited by Labcorp Genetics (formerly Invitae), Labcorp).